The following is an entry in ClinVar:

NM_001365902.3(NFIX):c.922C>T (p.Gln308Ter)

Gene: NFIX (nuclear factor I X; plus strand). Cytogenetic location: 19p13.13.
Variant type: single nucleotide variant.
Coding change: c.922C>T on transcript NM_001365902.3 (MANE Select); coding-DNA position 922, C replaced by T.
Protein change: p.Gln308Ter; replaces glutamine 308 with a stop codon.
Molecular consequence: nonsense.
Genome position (GRCh38, 1-based): chr19:13,075,638, C>T. VCF-style: chr19-13075638-C-T. GRCh37 (hg19) VCF-style: chr19-13186452-C-T.
Other names: c.946C>T, p.Gln316Ter (NM_001271043.2); c.898C>T, p.Gln300Ter (NM_001271044.3, NM_001378404.1, NM_001440616.1 and 1 more transcripts); c.922C>T, p.Gln308Ter (NM_001365982.2, NM_002501.4); c.781C>T, p.Gln261Ter (NM_001365983.2); c.919C>T, p.Gln307Ter (NM_001365984.2, NM_001365985.2); c.970C>T, p.Gln324Ter (NM_001378405.1); short protein forms Q261*, Q300*, Q307*, Q308*, Q316*, Q324*.
Identifiers: ClinVar variation 4076621 (VCV004076621.1).

ClinVar aggregate classification (germline): Pathogenic (1 of 4 stars; one submission).

Submission:

GeneDx
Classification: Pathogenic. Last evaluated: 2025-02-19. Review status: criteria provided, single submitter. Criteria: GeneDx Variant Classification Process June 2021. Collection method: clinical testing. Allele origin: germline. Affected: yes.
Comment: Nonsense variant predicted to result in protein truncation or nonsense mediated decay in a gene for which loss of function is a known mechanism of disease; Not observed at significant frequency in large population cohorts (gnomAD); Has not been previously published as pathogenic or benign to our knowledge